The following is an entry in ClinVar:

NM_006231.4(POLE):c.5812-49_5959dup

Gene: POLE (DNA polymerase epsilon, catalytic subunit; minus strand). Cytogenetic location: 12q24.33.
Variant type: Duplication.
Coding change: c.5812-49_5959dup on transcript NM_006231.4 (MANE Select); 49 bases into the intron before coding-DNA position 5812 through coding-DNA position 5959, 197 bases duplicated.
Molecular consequence: splice acceptor variant.
Genome position (GRCh38, 1-based): chr12:132,634,231-132,634,427, 197 bases duplicated. GRCh37 (hg19): chr12:133,210,817-133,211,013.
Identifiers: ClinVar variation 3637677 (VCV003637677.2).

ClinVar aggregate classification (germline): Uncertain significance (1 of 4 stars; one submission).

Submission:

Labcorp Genetics (formerly Invitae), Labcorp
Classification: Uncertain significance. Last evaluated: 2024-07-30. Review status: criteria provided, single submitter. Criteria: Invitae Variant Classification Sherloc (09022015). Collection method: clinical testing. Allele origin: germline.
Comment: This sequence change falls in intron 42 of the POLE gene. It does not directly change the encoded amino acid sequence of the POLE protein. This variant is not present in population databases (gnomAD no frequency). This variant has not been reported in the literature in individuals affected with POLE-related conditions. Experimental studies and prediction algorithms are not available or were not evaluated, and the functional significance of this variant is currently unknown. In summary, the available evidence is currently insufficient to determine the role of this variant in disease. Therefore, it has been classified as a Variant of Uncertain Significance.